The following is an entry in ClinVar:

ClinVar aggregate classification (germline): Pathogenic. Review status: criteria provided, multiple submitters, no conflicts (2 of 4 stars). 7 submissions from 7 submitters: Pathogenic (4). 3 of the submissions do not count toward it. Last evaluated 2025-10-06.

Conditions:
Jeune thoracic dystrophy. Also called: Short-rib thoracic dysplasia; Jeune syndrome; Infantile thoracic dystrophy; Thoracic pelvic phalangeal dystrophy; Jeune's syndrome; Chondroectodermal dysplasia-like syndrome. Identifiers: Orphanet 474, MedGen C0265275, MONDO:0018770.
Asphyxiating thoracic dystrophy 3. Also called: Saldino-Noonan Syndrome; SHORT-RIB THORACIC DYSPLASIA 3 WITH OR WITHOUT POLYDACTYLY; POLYDACTYLY WITH NEONATAL CHONDRODYSTROPHY, TYPE I; SHORT-RIB THORACIC DYSPLASIA 3/6 WITH POLYDACTYLY, DIGENIC; Short rib polydactyly syndrome 2B. Identifiers: Orphanet 474, Orphanet 93269, Orphanet 93270, Orphanet 93271, MedGen C0036069, MONDO:0013127, OMIM 613091.

Allele frequency attached by ClinVar (database versions not stated): gnomAD exomes 0.00002; TOPMed 0.00004.
gnomAD v4.1: 5 of 1,488,592 alleles (0.00034%); highest among the groups gnomAD compares: African/African-American, 0.0014%; no homozygotes.

Submissions (7):

Labcorp Genetics (formerly Invitae), Labcorp
Classification: Pathogenic for Jeune thoracic dystrophy. Last evaluated: 2025-10-06. Review status: criteria provided, single submitter. Criteria: Invitae Variant Classification Sherloc (09022015). Collection method: clinical testing. Allele origin: germline.
Comment: This sequence change creates a premature translational stop signal (p.Arg2838*) in the DYNC2H1 gene. It is expected to result in an absent or disrupted protein product. Loss-of-function variants in DYNC2H1 are known to be pathogenic (PMID: 23339108, 32753734, 33755199). The frequency data for this variant in the population databases is considered unreliable, as metrics indicate poor data quality at this position in the gnomAD database. This premature translational stop signal has been observed in individual(s) with DYNC2H1-related conditions (PMID: 19361615). ClinVar contains an entry for this variant (Variation ID: 6508). For these reasons, this variant has been classified as Pathogenic.

Myriad Genetics, Inc.
Classification: Pathogenic for Asphyxiating thoracic dystrophy 3. Last evaluated: 2024-06-18. Review status: criteria provided, single submitter. Criteria: Myriad Autosomal Dominant, Autosomal Recessive and X-Linked Classification Criteria (2023). Collection method: clinical testing. Allele origin: unknown.
Comment: NM_001377.2(DYNC2H1):c.8512C>T(R2838*) is expected to be pathogenic in the context of DYNC2H1-related disorders. This variant is predicted to lead to an abnormal or absent protein product due to the creation of a premature termination codon in DYNC2H1, a gene where loss-of-function variants are known to be pathogenic. Please note: this variant was assessed in the context of healthy population screening.

Fulgent Genetics
Classification: Pathogenic for Asphyxiating thoracic dystrophy 3. Last evaluated: 2024-06-16. Review status: criteria provided, single submitter. Criteria: ACMG Guidelines, 2015. Collection method: clinical testing. Allele origin: germline.

Revvity Omics, Revvity
Classification: Pathogenic for Asphyxiating thoracic dystrophy 3. Last evaluated: 2021-04-23. Review status: criteria provided, single submitter. Criteria: ACMG Guidelines, 2015. Collection method: clinical testing. Allele origin: germline.

Dan Cohn Lab, University Of California Los Angeles
Classification: Pathogenic for Asphyxiating thoracic dystrophy 3. Last evaluated: 2017-06-01. Review status: no assertion criteria provided. Collection method: research. Allele origin: paternal. Affected: yes. Not counted in ClinVar's aggregate classification.

OMIM
Classification: Pathogenic for SHORT-RIB THORACIC DYSPLASIA 3 WITH POLYDACTYLY. Last evaluated: 2009-04-01. Review status: no assertion criteria provided. Collection method: literature only. Allele origin: germline. Not counted in ClinVar's aggregate classification.

University of Washington Center for Mendelian Genomics, University of Washington
Classification: Likely pathogenic for Asphyxiating thoracic dystrophy 3. Review status: no assertion criteria provided. Collection method: research. Allele origin: inherited. Affected: yes. Not counted in ClinVar's aggregate classification.

Literature cited by the submitters: PubMed 23339108 (cited by Labcorp Genetics (formerly Invitae), Labcorp); PubMed 32753734 (cited by Labcorp Genetics (formerly Invitae), Labcorp); PubMed 33755199 (cited by Labcorp Genetics (formerly Invitae), Labcorp); PubMed 19361615 (cited by Labcorp Genetics (formerly Invitae), Labcorp and OMIM); PubMed 29068549 (cited by Dan Cohn Lab, University Of California Los Angeles and University of Washington Center for Mendelian Genomics, University of Washington).

NM_001377.3(DYNC2H1):c.8512C>T (p.Arg2838Ter)

Gene: DYNC2H1 (dynein cytoplasmic 2 heavy chain 1; plus strand). Cytogenetic location: 11q22.3.
Variant type: single nucleotide variant.
Coding change: c.8512C>T on transcript NM_001377.3 (MANE Select); coding-DNA position 8512, C replaced by T.
Protein change: p.Arg2838Ter; replaces arginine 2838 with a stop codon.
Molecular consequence: nonsense.
Genome position (GRCh38, 1-based): chr11:103,209,933, C>T. VCF-style: chr11-103209933-C-T. GRCh37 (hg19) VCF-style: chr11-103080662-C-T.
Other names: c.8512C>T, p.Arg2838Ter (NM_001080463.2); short protein forms R2838*.
Identifiers: ClinVar variation 6508 (VCV000006508.14), dbSNP rs137853032, ClinGen allele CA210509.